The following is an entry in ClinVar:

ClinVar aggregate classification (germline): Uncertain significance (1 of 4 stars; one submission).

Conditions:
Nephronophthisis 15 (NPHP15). Identifiers: Orphanet 3156, MedGen C3541853, MONDO:0013917, OMIM 614845.

gnomAD v4.1: 1 of 1,614,024 alleles (0.000062%); highest among the groups gnomAD compares: Non-Finnish European, 0.000085%; no homozygotes.

Submission:

Labcorp Genetics (formerly Invitae), Labcorp
Classification: Uncertain significance for Nephronophthisis 15. Last evaluated: 2022-10-13. Review status: criteria provided, single submitter. Criteria: Invitae Variant Classification Sherloc (09022015). Collection method: clinical testing. Allele origin: germline.
Comment: In summary, the available evidence is currently insufficient to determine the role of this variant in disease. Therefore, it has been classified as a Variant of Uncertain Significance. Algorithms developed to predict the effect of missense changes on protein structure and function output the following: SIFT: "Deleterious"; PolyPhen-2: "Benign"; Align-GVGD: "Class C25". The proline amino acid residue is found in multiple mammalian species, which suggests that this missense change does not adversely affect protein function. ClinVar contains an entry for this variant (Variation ID: 1481245). This variant has not been reported in the literature in individuals affected with CEP164-related conditions. This variant is present in population databases (no rsID available, gnomAD 0.0009%). This sequence change replaces glutamine, which is neutral and polar, with proline, which is neutral and non-polar, at codon 439 of the CEP164 protein (p.Gln439Pro).

NM_014956.5(CEP164):c.1316A>C (p.Gln439Pro)

Gene: CEP164 (centrosomal protein 164; plus strand). Cytogenetic location: 11q23.3.
Variant type: single nucleotide variant.
Coding change: c.1316A>C on transcript NM_014956.5 (MANE Select); coding-DNA position 1316, A replaced by C.
Protein change: p.Gln439Pro; replaces glutamine 439 with proline.
Molecular consequence: missense variant.
Genome position (GRCh38, 1-based): chr11:117,375,790, A>C. VCF-style: chr11-117375790-A-C. GRCh37 (hg19) VCF-style: chr11-117246506-A-C.
Other names: c.1316A>C, p.Gln439Pro (NM_001271933.2); short protein forms Q439P.
Identifiers: ClinVar variation 1481245 (VCV001481245.6), dbSNP rs143370558, ClinGen allele CA382740517.
Genomic context (GRCh38, chr11:117,375,790, plus strand): 5'-TCTCGGAGCACCTGCTGGATGTTGATGTGCTTTCCCCAGTCCTGGGTGGAGCTTGTCGGC[A>C]GGTGAGTTTCTGTGGGTGGTGGGCTGAGCTGGGGCCTCATTTTCCCTCACAACTTTTTCG-3'
Protein context (NP_055771.4, residues 429-449): LSPVLGGACR[Gln439Pro]AQQPLGIEDK